The following is an entry in ClinVar:

NM_022773.4(LMF1):c.196G>A (p.Val66Met)

Gene: LMF1 (lipase maturation factor 1; minus strand). Cytogenetic location: 16p13.3.
Variant type: single nucleotide variant.
Coding change: c.196G>A on transcript NM_022773.4 (MANE Select); coding-DNA position 196, G replaced by A.
Protein change: p.Val66Met; replaces valine 66 with methionine.
Molecular consequence: missense variant. On other transcripts: 5 prime UTR variant (4), non-coding transcript variant (1).
Genome position (GRCh38, 1-based): chr16:954,664, C>T on the plus strand (G>A on the coding strand, the complement: LMF1 is on the minus strand). VCF-style: chr16-954664-C-T. GRCh37 (hg19) VCF-style: chr16-1004664-C-T.
Other names: c.-608G>A (NM_001352017.2); c.-359G>A (NM_001352018.2); c.-132G>A (NM_001352019.2); c.196G>A, p.Val66Met (NM_001352020.1); c.-510G>A (NM_001352021.2); short protein forms V66M.
Identifiers: ClinVar variation 1783588 (VCV001783588.2), dbSNP rs753472646, ClinGen allele CA276539731.

ClinVar aggregate classification (germline): Uncertain significance (1 of 4 stars; one submission).

Conditions:
Cardiovascular phenotype. Identifiers: MedGen CN230736.

gnomAD v4.1: 12 of 1,585,262 alleles (0.00076%); highest among the groups gnomAD compares: Admixed American, 0.0035%; no homozygotes.

Submission:

Ambry Genetics
Classification: Uncertain significance for Cardiovascular phenotype. Last evaluated: 2022-05-30. Review status: criteria provided, single submitter. Criteria: Ambry Variant Classification Scheme 2023. Collection method: clinical testing. Allele origin: germline.
Comment: The p.V66M variant (also known as c.196G>A), located in coding exon 2 of the LMF1 gene, results from a G to A substitution at nucleotide position 196. The valine at codon 66 is replaced by methionine, an amino acid with highly similar properties. This amino acid position is conserved. In addition, this alteration is predicted to be deleterious by in silico analysis. Since supporting evidence is limited at this time, the clinical significance of this alteration remains unclear.